The following is an entry in ClinVar:

ClinVar aggregate classification (germline): Likely benign (0 of 4 stars; one submission).

Conditions:
ADCY3-related disorder. Also called: ADCY3-related condition.

gnomAD v4.1: 6 of 1,612,986 alleles (0.00037%); highest among the groups gnomAD compares: Admixed American, 0.005%; no homozygotes.

Submission:

PreventionGenetics, part of Exact Sciences
Classification: Likely benign for ADCY3-related condition. Last evaluated: 2023-02-13. Review status: no assertion criteria provided. Collection method: clinical testing. Allele origin: germline.
Comment: This variant is classified as likely benign based on ACMG/AMP sequence variant interpretation guidelines (Richards et al. 2015 PMID: 25741868, with internal and published modifications).

NM_004036.5(ADCY3):c.3366G>A (p.Arg1122=)

Genes: ADCY3 (adenylate cyclase 3; minus strand), CENPO (centromere protein O; plus strand). Cytogenetic location: 2p23.3.
Variant type: single nucleotide variant.
Coding change: c.3366G>A on transcript NM_004036.5 (MANE Select); coding-DNA position 3366, G replaced by A.
Protein change: p.Arg1122=; no amino-acid change (arginine 1122 retained).
Molecular consequence: synonymous variant. On other transcripts: 3 prime UTR variant (4), non-coding transcript variant (3).
Genome position (GRCh38, 1-based): chr2:24,820,001, C>T on the plus strand (G>A on the coding strand, the complement: ADCY3 is on the minus strand). VCF-style: chr2-24820001-C-T. GRCh37 (hg19) VCF-style: chr2-25042870-C-T.
Other names: c.3369G>A, p.Arg1123= (NM_001320613.2); c.3432G>A, p.Arg1144= (NM_001377128.1); c.3228G>A, p.Arg1076= (NM_001377129.1); c.*107G>A (NM_001377130.1); c.2643G>A, p.Arg881= (NM_001377131.1); c.3366G>A, p.Arg1122= (NM_001377132.1); c.*683C>T (NM_001199803.3, NM_001322101.2, NM_024322.4).
Identifiers: ClinVar variation 3355765 (VCV003355765.1).